The following is an entry in ClinVar:

NM_006379.5(SEMA3C):c.1831A>G (p.Arg611Gly)

Gene: SEMA3C (semaphorin 3C; minus strand). Cytogenetic location: 7q21.11.
Variant type: single nucleotide variant.
Coding change: c.1831A>G on transcript NM_006379.5 (MANE Select); coding-DNA position 1831, A replaced by G.
Protein change: p.Arg611Gly; replaces arginine 611 with glycine.
Molecular consequence: missense variant.
Genome position (GRCh38, 1-based): chr7:80,748,909, T>C on the plus strand (A>G on the coding strand, the complement: SEMA3C is on the minus strand). VCF-style: chr7-80748909-T-C. GRCh37 (hg19) VCF-style: chr7-80378225-T-C.
Other names: c.1885A>G (NM_001350120.1); c.1885A>G, p.Arg629Gly (NM_001350120.2); c.1657A>G, p.Arg553Gly (NM_001350121.2); short protein forms R553G, R611G, R629G.
Identifiers: ClinVar variation 2393784 (VCV002393784.3), dbSNP rs35974568, ClinGen allele CA4315972.

ClinVar aggregate classification (germline): Conflicting classifications of pathogenicity. Review status: criteria provided, conflicting classifications (1 of 4 stars). 2 submissions from 2 submitters: Uncertain significance (1); Likely benign (1). Last evaluated 2024-11-23.

Conditions:
SEMA3C-related disorder. Also called: SEMA3C-related condition.

Allele frequency attached by ClinVar (database versions not stated): TOPMed 0.00003; gnomAD 0.00004; gnomAD exomes 0.00005; ExAC 0.00006.
gnomAD v4.1: 87 of 1,611,522 alleles (0.0054%); highest among the groups gnomAD compares: Admixed American, 0.0034%; no homozygotes.

Submissions (2):

PreventionGenetics, part of Exact Sciences
Classification: Likely benign for SEMA3C-related condition. Last evaluated: 2024-11-23. Review status: criteria provided, single submitter. Criteria: ACMG Guidelines, 2015. Collection method: clinical testing. Allele origin: germline.
Comment: This variant is classified as likely benign based on ACMG/AMP sequence variant interpretation guidelines (Richards et al. 2015 PMID: 25741868, with internal and published modifications).

Ambry Genetics
Classification: Uncertain significance. Last evaluated: 2022-05-27. Review status: criteria provided, single submitter. Criteria: Ambry Variant Classification Scheme 2023. Collection method: clinical testing. Allele origin: germline.